The following is an entry in ClinVar:

NM_058216.3(RAD51C):c.625T>G (p.Tyr209Asp)

Genes: RAD51C (RAD51 paralog C; plus strand), LOC129390903 (MPRA-validated peak2919 silencer; plus strand). Cytogenetic location: 17q22.
Variant type: single nucleotide variant.
Coding change: c.625T>G on transcript NM_058216.3 (MANE Select); coding-DNA position 625, T replaced by G.
Protein change: p.Tyr209Asp; replaces tyrosine 209 with aspartic acid.
Molecular consequence: missense variant. On other transcripts: non-coding transcript variant (1).
Genome position (GRCh38, 1-based): chr17:58,703,249, T>G. VCF-style: chr17-58703249-T-G. GRCh37 (hg19) VCF-style: chr17-56780610-T-G.
Other names: short protein forms Y209D.
Identifiers: ClinVar variation 1356057 (VCV001356057.8), dbSNP rs2143798413, ClinGen allele CA400349432.

ClinVar aggregate classification (germline): Uncertain significance (1 of 4 stars; one submission).

Conditions:
Fanconi anemia complementation group O. Also called: RAD51C-Related Fanconi Anemia. Identifiers: Orphanet 84, MedGen C3150653, MONDO:0013248, OMIM 613390.

Submission:

Labcorp Genetics (formerly Invitae), Labcorp
Classification: Uncertain significance for Fanconi anemia complementation group O. Last evaluated: 2021-05-25. Review status: criteria provided, single submitter. Criteria: Invitae Variant Classification Sherloc (09022015). Collection method: clinical testing. Allele origin: germline.
Comment: In summary, the available evidence is currently insufficient to determine the role of this variant in disease. Therefore, it has been classified as a Variant of Uncertain Significance. Algorithms developed to predict the effect of missense changes on protein structure and function are either unavailable or do not agree on the potential impact of this missense change (SIFT: "Deleterious"; PolyPhen-2: "Possibly Damaging"; Align-GVGD: "Class C15"). This variant has not been reported in the literature in individuals with RAD51C-related conditions. This variant is not present in population databases (ExAC no frequency). This sequence change replaces tyrosine with aspartic acid at codon 209 of the RAD51C protein (p.Tyr209Asp). The tyrosine residue is moderately conserved and there is a large physicochemical difference between tyrosine and aspartic acid.